The following is an entry in ClinVar:

NM_017934.7(PHIP):c.2040G>A (p.Glu680=)

Gene: PHIP (PHIP subunit of CUL4-Ring ligase complex; minus strand). Cytogenetic location: 6q14.1.
Variant type: single nucleotide variant.
Coding change: c.2040G>A on transcript NM_017934.7 (MANE Select); coding-DNA position 2040, G replaced by A.
Protein change: p.Glu680=; no amino-acid change (glutamic acid 680 retained).
Molecular consequence: synonymous variant.
Genome position (GRCh38, 1-based): chr6:78,997,575, C>T on the plus strand (G>A on the coding strand, the complement: PHIP is on the minus strand). VCF-style: chr6-78997575-C-T. GRCh37 (hg19) VCF-style: chr6-79707292-C-T.
Other names: c.2040G>A (NM_017934.6).
Identifiers: ClinVar variation 2421822 (VCV002421822.8), dbSNP rs567684136, ClinGen allele CA3900041.

ClinVar aggregate classification (germline): Likely benign. Review status: criteria provided, single submitter (1 of 4 stars). 2 submissions from 2 submitters: Likely benign (1). 1 of the submissions does not count toward it. Last evaluated 2025-03-17.

Conditions:
PHIP-related disorder. Also called: PHIP-related disorders; PHIP-related condition.

gnomAD v4.1: 38 of 1,613,498 alleles (0.0024%); highest among the groups gnomAD compares: Non-Finnish European, 0.0025%; no homozygotes.

Submissions (2):

Labcorp Genetics (formerly Invitae), Labcorp
Classification: Likely benign. Last evaluated: 2025-03-17. Review status: criteria provided, single submitter. Criteria: Invitae Variant Classification Sherloc (09022015). Collection method: clinical testing. Allele origin: germline.

PreventionGenetics, part of Exact Sciences
Classification: Likely benign for PHIP-related condition. Last evaluated: 2024-03-12. Review status: no assertion criteria provided. Collection method: clinical testing. Allele origin: germline. Not counted in ClinVar's aggregate classification.
Comment: This variant is classified as likely benign based on ACMG/AMP sequence variant interpretation guidelines (Richards et al. 2015 PMID: 25741868, with internal and published modifications).